The following is an entry in ClinVar:

ClinVar aggregate classification (germline): Uncertain significance (1 of 4 stars; one submission).

Conditions:
Inborn genetic diseases. Identifiers: MedGen C0950123, MeSH D030342.

gnomAD v4.1: 5 of 1,613,650 alleles (0.00031%); highest among the groups gnomAD compares: Non-Finnish European, 0.00042%; no homozygotes.

Submission:

Ambry Genetics
Classification: Uncertain significance for Inborn genetic diseases. Last evaluated: 2025-05-19. Review status: criteria provided, single submitter. Criteria: Ambry Variant Classification Scheme 2023. Collection method: clinical testing. Allele origin: germline.
Comment: The p.V426M variant (also known as c.1276G>A), located in coding exon 6 of the SH2B3 gene, results from a G to A substitution at nucleotide position 1276. The valine at codon 426 is replaced by methionine, an amino acid with highly similar properties. This amino acid position is conserved. In addition, the in silico prediction for this alteration is inconclusive. Based on the available evidence, the clinical significance of this variant remains unclear.

NM_005475.3(SH2B3):c.1276G>A (p.Val426Met)

Gene: SH2B3 (SH2B adaptor protein 3; plus strand). Cytogenetic location: 12q24.12.
Variant type: single nucleotide variant.
Coding change: c.1276G>A on transcript NM_005475.3 (MANE Select); coding-DNA position 1276, G replaced by A.
Protein change: p.Val426Met; replaces valine 426 with methionine.
Molecular consequence: missense variant.
Genome position (GRCh38, 1-based): chr12:111,447,695, G>A. VCF-style: chr12-111447695-G-A. GRCh37 (hg19) VCF-style: chr12-111885499-G-A.
Other names: c.670G>A, p.Val224Met (NM_001291424.1); short protein forms V224M, V426M.
Identifiers: ClinVar variation 3953509 (VCV003953509.1).